The following is an entry in ClinVar:

NM_001110556.2(FLNA):c.6305_6306delinsTT (p.Cys2102Phe)

Gene: FLNA (filamin A; minus strand). Cytogenetic location: Xq28.
Variant type: Indel.
Coding change: c.6305_6306delinsTT on transcript NM_001110556.2 (MANE Select); coding-DNA positions 6305 to 6306, GC replaced by TT.
Protein change: p.Cys2102Phe; replaces cysteine 2102 with phenylalanine.
Molecular consequence: missense variant.
Genome position (GRCh38, 1-based): chrX:154,352,845-154,352,846, GC replaced by AA on the plus strand (GC replaced by TT on the coding strand, the reverse complement: FLNA is on the minus strand). VCF-style: chrX-154352845-GC-AA. GRCh37 (hg19) VCF-style: chrX-153581213-GC-AA.
Other names: c.6281_6282delinsTT, p.Cys2094Phe (NM_001456.4); short protein forms C2094F, C2102F.
Identifiers: ClinVar variation 3751869 (VCV003751869.2).

ClinVar aggregate classification (germline): Uncertain significance (1 of 4 stars; one submission).

Conditions:
Melnick-Needles syndrome (MNS). Also called: MELNICK-NEEDLES OSTEODYSPLASTY; OSTEODYSPLASTY OF MELNICK AND NEEDLES; Melnick-Needles Syndrome (FLNA-MNS). Identifiers: Orphanet 2484, MedGen C0025237, MONDO:0010650, OMIM 309350.
Frontometaphyseal dysplasia (FMD1). Identifiers: Orphanet 1826, MedGen C0265293, MONDO:0015942.
Heterotopia, periventricular, X-linked dominant (PVNH1). Also called: PERIVENTRICULAR NODULAR HETEROTOPIA 1; X-linked periventricular heterotopia; PERIVENTRICULAR NODULAR HETEROTOPIA 4; HETEROTOPIA, PERIVENTRICULAR, 1. Identifiers: Orphanet 2149, Orphanet 82004, MedGen C1848213, MONDO:0010233, OMIM 300049.
Oto-palato-digital syndrome, type II (OPD2). Also called: FACIOPALATOOSSEOUS SYNDROME; OPD II SYNDROME; Otopalatodigital Syndrome, Type II; Otopalatodigital Syndrome Type 2 (FLNA-OPD2). Identifiers: Orphanet 669, Orphanet 90652, MedGen C1844696, MONDO:0010571, OMIM 304120.

Submission:

Labcorp Genetics (formerly Invitae), Labcorp
Classification: Uncertain significance for Oto-palato-digital syndrome, type II; Heterotopia, periventricular, X-linked dominant; Frontometaphyseal dysplasia; Melnick-Needles syndrome. Last evaluated: 2024-03-16. Review status: criteria provided, single submitter. Criteria: Invitae Variant Classification Sherloc (09022015). Collection method: clinical testing. Allele origin: germline.
Comment: This sequence change replaces cysteine, which is neutral and slightly polar, with phenylalanine, which is neutral and non-polar, at codon 2094 of the FLNA protein (p.Cys2094Phe). Information on the frequency of this variant in the gnomAD database is not available, as this variant may be reported differently in the database. This variant has not been reported in the literature in individuals affected with FLNA-related conditions. An algorithm developed to predict the effect of missense changes on protein structure and function (PolyPhen-2) suggests that this variant is likely to be disruptive. In summary, the available evidence is currently insufficient to determine the role of this variant in disease. Therefore, it has been classified as a Variant of Uncertain Significance.